The following is an entry in ClinVar:

NM_001080421.3(UNC13A):c.37T>C (p.Phe13Leu)

Gene: UNC13A (unc-13 homolog A; minus strand). Cytogenetic location: 19p13.11.
Variant type: single nucleotide variant.
Coding change: c.37T>C on transcript NM_001080421.3 (MANE Select); coding-DNA position 37, T replaced by C.
Protein change: p.Phe13Leu; replaces phenylalanine 13 with leucine.
Molecular consequence: missense variant.
Genome position (GRCh38, 1-based): chr19:17,676,027, A>G on the plus strand (T>C on the coding strand, the complement: UNC13A is on the minus strand). VCF-style: chr19-17676027-A-G. GRCh37 (hg19) VCF-style: chr19-17786836-A-G.
Other names: c.37T>C, p.Phe13Leu (NM_001387021.1, NM_001387022.1, NM_001387023.1); short protein forms F13L.
Identifiers: ClinVar variation 2629136 (VCV002629136.2), dbSNP rs1359419349, ClinGen allele CA404743183.

ClinVar aggregate classification (germline): Uncertain significance (0 of 4 stars; one submission).

Conditions:
UNC13A-related disorder. Also called: UNC13A-related condition.

Allele frequency attached by ClinVar (database versions not stated): gnomAD 0.00001; TOPMed 0.00001.
gnomAD v4.1: 19 of 1,551,436 alleles (0.0012%); highest among the groups gnomAD compares: Non-Finnish European, 0.0017%; no homozygotes.

Submission:

PreventionGenetics, part of Exact Sciences
Classification: Uncertain significance for UNC13A-related condition. Last evaluated: 2024-08-23. Review status: no assertion criteria provided. Collection method: clinical testing. Allele origin: germline.
Comment: The UNC13A c.37T>C variant is predicted to result in the amino acid substitution p.Phe13Leu. To our knowledge, this variant has not been reported in the literature or in a large population database, indicating this variant is rare. At this time, the clinical significance of this variant is uncertain due to the absence of conclusive functional and genetic evidence.